The following is an entry in ClinVar:

ClinVar aggregate classification (germline): Uncertain significance (1 of 4 stars; one submission).

Allele frequency attached by ClinVar (database versions not stated): TOPMed below 0.00001; ExAC 0.00001; gnomAD 0.00001; gnomAD exomes 0.00001.
gnomAD v4.1: 10 of 1,613,808 alleles (0.00062%); highest among the groups gnomAD compares: South Asian, 0.0022%; no homozygotes.

Submission:

Labcorp Genetics (formerly Invitae), Labcorp
Classification: Uncertain significance. Last evaluated: 2022-04-24. Review status: criteria provided, single submitter. Criteria: Invitae Variant Classification Sherloc (09022015). Collection method: clinical testing. Allele origin: germline.
Comment: Algorithms developed to predict the effect of missense changes on protein structure and function are either unavailable or do not agree on the potential impact of this missense change (SIFT: "Deleterious"; PolyPhen-2: "Possibly Damaging"; Align-GVGD: "Class C0"). In summary, the available evidence is currently insufficient to determine the role of this variant in disease. Therefore, it has been classified as a Variant of Uncertain Significance. This variant has not been reported in the literature in individuals affected with TRPM1-related conditions. This variant is present in population databases (rs751444759, gnomAD 0.006%). This sequence change replaces arginine, which is basic and polar, with tryptophan, which is neutral and slightly polar, at codon 1139 of the TRPM1 protein (p.Arg1139Trp).

NM_001252024.2(TRPM1):c.3481C>T (p.Arg1161Trp)

Genes: TRPM1 (transient receptor potential cation channel subfamily M member 1; minus strand), TRPM1-AS1 (TRPM1 antisense RNA 1; plus strand), LOC126862088 (BRD4-independent group 4 enhancer GRCh37_chr15:31318084-31319283; plus strand). Cytogenetic location: 15q13.3.
Variant type: single nucleotide variant.
Coding change: c.3481C>T on transcript NM_001252024.2 (MANE Select); coding-DNA position 3481, C replaced by T.
Protein change: p.Arg1161Trp; replaces arginine 1161 with tryptophan.
Molecular consequence: missense variant.
Genome position (GRCh38, 1-based): chr15:31,026,930, G>A on the plus strand (C>T on the coding strand, the complement: TRPM1 is on the minus strand). VCF-style: chr15-31026930-G-A. GRCh37 (hg19) VCF-style: chr15-31319133-G-A.
Other names: c.3532C>T, p.Arg1178Trp (NM_001252020.2); c.3415C>T, p.Arg1139Trp (NM_002420.6); short protein forms R1161W, R1178W, R1139W.
Identifiers: ClinVar variation 2129925 (VCV002129925.4), dbSNP rs751444759, ClinGen allele CA7451875.